The following is an entry in ClinVar:

ClinVar aggregate classification (germline): Benign (1 of 4 stars; one submission).

Conditions:
Leigh syndrome (NULS). Also called: Leigh's necrotizing encephalopathy; Leigh's disease; Leigh Syndrome (mtDNA deletion); Leigh Disease; Subacute necrotizing encephalopathy; Necrotizing encephalopathy infantile subacute of Leigh. Identifiers: Orphanet 506, MedGen C2931891, MONDO:0009723, OMIM 256000.

Submission:

Wong Mito Lab, Molecular and Human Genetics, Baylor College of Medicine
Classification: Benign for Leigh syndrome. Last evaluated: 2019-10-17. Review status: criteria provided, single submitter. Criteria: Modified ACMG Guidelines (Unpublished). Collection method: clinical testing. Allele origin: germline.
Comment: The NC_012920.1:m.9324A>G (YP_003024032.1:p.Met40Val) variant in MTCO3 gene is interpretated to be a Benign variant based on the modified ACMG guidelines (unpublished). This variant meets the following evidence codes: BS1, BS4, BP4

NC_012920.1(MT-CO3):m.9324A>G

Gene: MT-CO3 (mitochondrially encoded cytochrome c oxidase III; plus strand).
Variant type: single nucleotide variant.
Genome position: chrM-9324-A-G.
Identifiers: ClinVar variation 693147 (VCV000693147.1), dbSNP rs1603222245, ClinGen allele CA414802696.